The following is an entry in ClinVar:

ClinVar aggregate classification (germline): Uncertain significance. Review status: criteria provided, multiple submitters, no conflicts (2 of 4 stars). 3 submissions from 3 submitters: Uncertain significance (3). Last evaluated 2025-10-21.

Conditions:
Autosomal dominant osteopetrosis 1 (OPTA1). Also called: OSTEOPETROSIS, AUTOSOMAL DOMINANT, TYPE I. Identifiers: Orphanet 2783, MedGen C1843330, MONDO:0011877, OMIM 607634.
Bone mineral density quantitative trait locus 1 (BMND1). Identifiers: MedGen C1866079, OMIM 601884.
Worth disease. Also called: ENDOSTEAL HYPEROSTOSIS, AUTOSOMAL DOMINANT; OSTEOSCLEROSIS, AUTOSOMAL DOMINANT; Autosomal dominant osteosclerosis, Worth type. Identifiers: Orphanet 2790, MedGen C0432273, MONDO:0007764, OMIM 144750.
Osteoporosis with pseudoglioma (OPPG). Also called: osteoporosis-pseudoglioma syndrome. Identifiers: Orphanet 2788, MedGen C0432252, MONDO:0009820, OMIM 259770.
Polycystic liver disease 4 with or without kidney cysts. Identifiers: MedGen C4693479, MONDO:0044327, OMIM 617875.
Exudative vitreoretinopathy 4 (EVR4). Identifiers: Orphanet 891, MedGen C1866176, MONDO:0011151, OMIM 601813.

Allele frequency attached by ClinVar (database versions not stated): gnomAD 0.00001; gnomAD exomes 0.00001; TOPMed 0.00001.

Submissions (3):

Women's Health and Genetics/Laboratory Corporation of America, LabCorp
Classification: Uncertain significance. Last evaluated: 2025-10-21. Review status: criteria provided, single submitter. Criteria: LabCorp Variant Classification Summary - May 2015. Collection method: clinical testing. Allele origin: germline.
Comment: Variant summary: LRP5 c.809A>G (p.Lys270Arg) results in a conservative amino acid change in the encoded protein sequence. Algorithms developed to predict the effect of missense changes on protein structure and function are either unavailable or do not agree on the potential impact of this missense change. The variant was absent in 250632 control chromosomes. The available data on variant occurrences in the general population are insufficient to allow any conclusion about variant significance. To our knowledge, no occurrence of c.809A>G in individuals affected with LRP5-related conditions and no experimental evidence demonstrating its impact on protein function have been reported. ClinVar contains an entry for this variant (Variation ID: 1917196). Based on the evidence outlined above, the variant was classified as uncertain significance.

Fulgent Genetics
Classification: Uncertain significance for Worth disease; Osteoporosis with pseudoglioma; Exudative vitreoretinopathy 4; Bone mineral density quantitative trait locus 1; Autosomal dominant osteopetrosis 1; Polycystic liver disease 4 with or without kidney cysts. Last evaluated: 2024-03-30. Review status: criteria provided, single submitter. Criteria: ACMG Guidelines, 2015. Collection method: clinical testing. Allele origin: germline.

Labcorp Genetics (formerly Invitae), Labcorp
Classification: Uncertain significance. Last evaluated: 2021-12-29. Review status: criteria provided, single submitter. Criteria: Invitae Variant Classification Sherloc (09022015). Collection method: clinical testing. Allele origin: germline.
Comment: This variant has not been reported in the literature in individuals affected with LRP5-related conditions. In summary, the available evidence is currently insufficient to determine the role of this variant in disease. Therefore, it has been classified as a Variant of Uncertain Significance. Advanced modeling of protein sequence and biophysical properties (such as structural, functional, and spatial information, amino acid conservation, physicochemical variation, residue mobility, and thermodynamic stability) performed at Invitae indicates that this missense variant is not expected to disrupt LRP5 protein function. This variant is not present in population databases (gnomAD no frequency). This sequence change replaces lysine, which is basic and polar, with arginine, which is basic and polar, at codon 270 of the LRP5 protein (p.Lys270Arg).

NM_002335.4(LRP5):c.809A>G (p.Lys270Arg)

Gene: LRP5 (LDL receptor related protein 5; plus strand). Cytogenetic location: 11q13.2.
Variant type: single nucleotide variant.
Coding change: c.809A>G on transcript NM_002335.4 (MANE Select); coding-DNA position 809, A replaced by G.
Protein change: p.Lys270Arg; replaces lysine 270 with arginine.
Molecular consequence: missense variant. On other transcripts: 5 prime UTR variant (1).
Genome position (GRCh38, 1-based): chr11:68,363,869, A>G. VCF-style: chr11-68363869-A-G. GRCh37 (hg19) VCF-style: chr11-68131337-A-G.
Other names: c.-957A>G (NM_001291902.2); short protein forms K270R.
Identifiers: ClinVar variation 1917196 (VCV001917196.7), dbSNP rs1591229163, ClinGen allele CA381611157.